The following is an entry in ClinVar:

NM_000455.5(STK11):c.169G>T (p.Glu57Ter)

Gene: STK11 (serine/threonine kinase 11; plus strand). Cytogenetic location: 19p13.3.
Variant type: single nucleotide variant.
Coding change: c.169G>T on transcript NM_000455.5 (MANE Select); coding-DNA position 169, G replaced by T.
Protein change: p.Glu57Ter; replaces glutamic acid 57 with a stop codon.
Molecular consequence: nonsense.
Genome position (GRCh38, 1-based): chr19:1,207,082, G>T. VCF-style: chr19-1207082-G-T. GRCh37 (hg19) VCF-style: chr19-1207081-G-T.
Other names: short protein forms E57*.
Identifiers: ClinVar variation 7447 (VCV000007447.8), dbSNP rs137854584, ClinGen allele CA022691.

ClinVar aggregate classification (germline): Pathogenic. Review status: criteria provided, single submitter (1 of 4 stars). 2 submissions from 2 submitters: Pathogenic (1). 1 of the submissions does not count toward it. Last evaluated 2021-05-26.

Conditions:
Peutz-Jeghers syndrome (PJS). Also called: Peutz-Jeghers polyposis; Periorificial lentiginosis syndrome; POLYPOSIS, HAMARTOMATOUS INTESTINAL; POLYPS-AND-SPOTS SYNDROME. Identifiers: Orphanet 2869, MedGen C0031269, MeSH D010580, MONDO:0008280, OMIM 175200.

Allele frequency attached by ClinVar (database versions not stated): gnomAD exomes below 0.00001.
gnomAD v4.1: 1 of 1,613,956 alleles (0.000062%); highest among the groups gnomAD compares: Non-Finnish European, 0.000085%; no homozygotes.

Submissions (2):

Labcorp Genetics (formerly Invitae), Labcorp
Classification: Pathogenic for Peutz-Jeghers syndrome. Last evaluated: 2021-05-26. Review status: criteria provided, single submitter. Criteria: Invitae Variant Classification Sherloc (09022015). Collection method: clinical testing. Allele origin: germline.
Comment: This sequence change creates a premature translational stop signal (p.Glu57*) in the STK11 gene. It is expected to result in an absent or disrupted protein product. Loss-of-function variants in STK11 are known to be pathogenic (PMID: 15188174, 16287113). This variant is not present in population databases (ExAC no frequency). This variant has been observed in individual(s) with clinical features of Peutz-Jeghers syndrome (PMID: 9428765). ClinVar contains an entry for this variant (Variation ID: 7447). Algorithms developed to predict the effect of sequence changes on RNA splicing suggest that this variant may create or strengthen a splice site, but this prediction has not been confirmed by published transcriptional studies. For these reasons, this variant has been classified as Pathogenic.

OMIM
Classification: Pathogenic for PEUTZ-JEGHERS SYNDROME. Last evaluated: 1998-01-08. Review status: no assertion criteria provided. Collection method: literature only. Allele origin: germline. Not counted in ClinVar's aggregate classification.

Literature cited by the submitters: PubMed 15188174 (cited by Labcorp Genetics (formerly Invitae), Labcorp); PubMed 16287113 (cited by Labcorp Genetics (formerly Invitae), Labcorp); PubMed 9428765 (cited by Labcorp Genetics (formerly Invitae), Labcorp and OMIM).